The following is an entry in ClinVar:

ClinVar aggregate classification (germline): Uncertain significance (1 of 4 stars; one submission).

Conditions:
Acromesomelic dysplasia 1, Maroteaux type (AMD1). Also called: ST. HELENA DYSPLASIA; ACROMESOMELIC DYSPLASIA 1. Identifiers: Orphanet 40, MedGen C1864356, MONDO:0011275, OMIM 602875.
Tall stature-scoliosis-macrodactyly of the great toes syndrome. Also called: Epiphyseal chondrodysplasia, miura type. Identifiers: Orphanet 329191, MedGen C4014690, MONDO:0014401, OMIM 615923.

Allele frequency attached by ClinVar (database versions not stated): gnomAD exomes below 0.00001; gnomAD 0.00001; TOPMed 0.00001.
gnomAD v4.1: 2 of 1,613,942 alleles (0.00012%); highest among the groups gnomAD compares: Admixed American, 0.0017%; no homozygotes.

Submission:

Labcorp Genetics (formerly Invitae), Labcorp
Classification: Uncertain significance for Tall stature-scoliosis-macrodactyly of the great toes syndrome; Acromesomelic dysplasia 1, Maroteaux type. Last evaluated: 2023-08-21. Review status: criteria provided, single submitter. Criteria: Invitae Variant Classification Sherloc (09022015). Collection method: clinical testing. Allele origin: germline.
Comment: Advanced modeling of protein sequence and biophysical properties (such as structural, functional, and spatial information, amino acid conservation, physicochemical variation, residue mobility, and thermodynamic stability) performed at Invitae indicates that this missense variant is not expected to disrupt NPR2 protein function. In summary, the available evidence is currently insufficient to determine the role of this variant in disease. Therefore, it has been classified as a Variant of Uncertain Significance. This variant has not been reported in the literature in individuals affected with NPR2-related conditions. This variant is present in population databases (no rsID available, gnomAD 0.0009%). This sequence change replaces valine, which is neutral and non-polar, with leucine, which is neutral and non-polar, at codon 365 of the NPR2 protein (p.Val365Leu).

NM_003995.4(NPR2):c.1093G>C (p.Val365Leu)

Gene: NPR2 (natriuretic peptide receptor 2; plus strand). Cytogenetic location: 9p13.3.
Variant type: single nucleotide variant.
Coding change: c.1093G>C on transcript NM_003995.4 (MANE Select); coding-DNA position 1093, G replaced by C.
Protein change: p.Val365Leu; replaces valine 365 with leucine.
Molecular consequence: missense variant.
Genome position (GRCh38, 1-based): chr9:35,800,127, G>C. VCF-style: chr9-35800127-G-C. GRCh37 (hg19) VCF-style: chr9-35800124-G-C.
Other names: c.1093G>C, p.Val365Leu (NM_001378923.1); short protein forms V365L.
Identifiers: ClinVar variation 2949431 (VCV002949431.3), dbSNP rs1447414752, ClinGen allele CA373370202.